The following is an entry in ClinVar:

NM_001002295.2(GATA3):c.1184C>T (p.Ala395Val)

Gene: GATA3 (GATA binding protein 3; plus strand). Cytogenetic location: 10p14.
Variant type: single nucleotide variant.
Coding change: c.1184C>T on transcript NM_001002295.2 (MANE Select); coding-DNA position 1184, C replaced by T.
Protein change: p.Ala395Val; replaces alanine 395 with valine.
Molecular consequence: missense variant.
Genome position (GRCh38, 1-based): chr10:8,073,872, C>T. VCF-style: chr10-8073872-C-T. GRCh37 (hg19) VCF-style: chr10-8115835-C-T.
Other names: c.1181C>T, p.Ala394Val (NM_002051.3); short protein forms A394V, A395V.
Identifiers: ClinVar variation 1313402 (VCV001313402.2), dbSNP rs773396531, ClinGen allele CA5404563.

ClinVar aggregate classification (germline): Uncertain significance (1 of 4 stars; one submission).

Allele frequency attached by ClinVar (database versions not stated): TOPMed below 0.00001; ExAC 0.00001; gnomAD exomes 0.00001 and 0.00004.

Submission:

GeneDx
Classification: Uncertain significance. Last evaluated: 2020-10-21. Review status: criteria provided, single submitter. Criteria: GeneDx Variant Classification Process June 2021. Collection method: clinical testing. Allele origin: germline. Affected: yes.
Comment: In silico analysis supports that this missense variant has a deleterious effect on protein structure/function; In-silico analysis is inconclusive as to whether the variant alters gene splicing. In the absence of RNA/functional studies, the actual effect of this sequence change is unknown.; Has not been previously published as pathogenic or benign to our knowledge